The following is an entry in ClinVar:

ClinVar aggregate classification (germline): Uncertain significance (1 of 4 stars; one submission).

Conditions:
Hereditary cancer-predisposing syndrome. Also called: Neoplastic Syndromes, Hereditary; Tumor predisposition; Hereditary Cancer Syndrome; Hereditary neoplastic syndrome. Identifiers: Orphanet 140162, MedGen C0027672, MeSH D009386, MONDO:0015356.

Submission:

Ambry Genetics
Classification: Uncertain significance for Hereditary cancer-predisposing syndrome. Last evaluated: 2026-05-14. Review status: criteria provided, single submitter. Criteria: Ambry Variant Classification Scheme 2023. Collection method: clinical testing. Allele origin: germline.
Comment: The p.K288R variant (also known as c.863A>G), located in coding exon 4 of the RET gene, results from an A to G substitution at nucleotide position 863. The lysine at codon 288 is replaced by arginine, an amino acid with highly similar properties. This amino acid position is conserved. In addition, this alteration is predicted to be tolerated by in silico analysis. Based on the available evidence, the clinical significance of this variant remains unclear.

NM_020975.6(RET):c.863A>G (p.Lys288Arg)

Gene: RET (ret proto-oncogene; plus strand). Cytogenetic location: 10q11.21.
Variant type: single nucleotide variant.
Coding change: c.863A>G on transcript NM_020975.6 (MANE Select); coding-DNA position 863, A replaced by G.
Protein change: p.Lys288Arg; replaces lysine 288 with arginine.
Molecular consequence: missense variant. On other transcripts: intron variant (22).
Genome position (GRCh38, 1-based): chr10:43,105,189, A>G. VCF-style: chr10-43105189-A-G. GRCh37 (hg19) VCF-style: chr10-43600637-A-G.
Other names: c.101A>G, p.Lys34Arg (NM_001355216.2); c.863A>G, p.Lys288Arg (NM_001406743.1, NM_001406744.1, NM_001406759.1 and 6 more transcripts); c.734A>G, p.Lys245Arg (NM_001406761.1, NM_001406762.1, NM_001406764.1 and 2 more transcripts); c.575A>G, p.Lys192Arg (NM_001406766.1, NM_001406767.1, NM_001406770.1); c.625+2560A>G (NM_001406773.1, NM_001406771.1, NM_001406782.1 and 5 more transcripts); c.496+2560A>G (NM_001406786.1, NM_001406783.1); c.338-3842A>G (NM_001406778.1, NM_001406775.1, NM_001406776.1 and 1 more transcripts); c.337+4467A>G (NM_001406790.1, NM_001406788.1, NM_001406789.1 and 1 more transcripts); and 2 more; short protein forms K192R, K245R, K288R, K34R.
Identifiers: ClinVar variation 4863273 (VCV004863273.1).